The following is an entry in ClinVar:

NM_020778.5(ALPK3):c.4456G>T (p.Ala1486Ser)

Gene: ALPK3 (alpha kinase 3; plus strand). Cytogenetic location: 15q25.3.
Variant type: single nucleotide variant.
Coding change: c.4456G>T on transcript NM_020778.5 (MANE Select); coding-DNA position 4456, G replaced by T.
Protein change: p.Ala1486Ser; replaces alanine 1486 with serine.
Molecular consequence: missense variant.
Genome position (GRCh38, 1-based): chr15:84,863,597, G>T. VCF-style: chr15-84863597-G-T. GRCh37 (hg19) VCF-style: chr15-85406828-G-T.
Other names: short protein forms A1486S.
Identifiers: ClinVar variation 1352404 (VCV001352404.8), dbSNP rs751953827, ClinGen allele CA393363805.
Genomic context (GRCh38, chr15:84,863,597, plus strand): 5'-TTCCCTCATCCACAGGGGTGCAAGATCCAGAACATGAGTCGGGAGTACTGCAAAATCTTC[G>T]CAGCAGAAGCCCGGGCCGCGCCTGGCTTTGGGGAGGTGCCTGAGTAAGTACGCAGCGAGG-3'
Protein context (NP_065829.4, residues 1476-1496): NMSREYCKIF[Ala1486Ser]AEARAAPGFG

ClinVar aggregate classification (germline): Uncertain significance (1 of 4 stars; one submission).

Allele frequency attached by ClinVar (database versions not stated): TOPMed 0.00001.
gnomAD v4.1: 5 of 1,614,056 alleles (0.00031%); highest among the groups gnomAD compares: Admixed American, 0.0017%; no homozygotes.

Submission:

Labcorp Genetics (formerly Invitae), Labcorp
Classification: Uncertain significance. Last evaluated: 2021-05-08. Review status: criteria provided, single submitter. Criteria: Invitae Variant Classification Sherloc (09022015). Collection method: clinical testing. Allele origin: germline.
Comment: This variant is not present in population databases (ExAC no frequency). This sequence change replaces alanine with serine at codon 1688 of the ALPK3 protein (p.Ala1688Ser). The alanine residue is moderately conserved and there is a moderate physicochemical difference between alanine and serine. This variant has not been reported in the literature in individuals with ALPK3-related conditions. In summary, the available evidence is currently insufficient to determine the role of this variant in disease. Therefore, it has been classified as a Variant of Uncertain Significance. Algorithms developed to predict the effect of missense changes on protein structure and function are either unavailable or do not agree on the potential impact of this missense change (SIFT: "Tolerated"; PolyPhen-2: "Probably Damaging"; Align-GVGD: "Class C0").